The following is an entry in ClinVar:

ClinVar aggregate classification (germline): Benign. Review status: criteria provided, multiple submitters, no conflicts (2 of 4 stars). 18 submissions from 17 submitters: Benign (15). 3 of the submissions do not count toward it. Last evaluated 2026-02-04.

Conditions:
Cardiovascular phenotype. Identifiers: MedGen CN230736.
Cardiomyopathy (CMYO). Also called: Cardiomyopathies. Identifiers: Orphanet 167848, MedGen C0878544, MONDO:0004994, HP:0001638. Inheritance: Various modes of inheritance.
Catecholaminergic polymorphic ventricular tachycardia 1. Also called: VENTRICULAR TACHYCARDIA, CATECHOLAMINERGIC POLYMORPHIC, 1, WITH OR WITHOUT ATRIAL DYSFUNCTION AND/OR DILATED CARDIOMYOPATHY; VENTRICULAR TACHYCARDIA, STRESS-INDUCED POLYMORPHIC 1; RYR2-Related Catecholaminergic Polymorphic Ventricular Tachycardia. Identifiers: Orphanet 3286, MedGen C1631597, MONDO:0011484, OMIM 604772.
Arrhythmogenic right ventricular dysplasia 2. Identifiers: MedGen C1832931.
Catecholaminergic polymorphic ventricular tachycardia (CVPT). Also called: Catecholamine-induced polymorphic ventricular tachycardia. Identifiers: Orphanet 3286, MedGen C5574922, MONDO:0017990.

Allele frequency attached by ClinVar (database versions not stated): gnomAD exomes 0.02022 and 0.02040; 1000 Genomes Project 30x 0.02139; 1000 Genomes Project 0.02157; ESP Exome Variant Server 0.02415; gnomAD 0.02797 and 0.02926; TOPMed 0.02851; ExAC 0.02875.
gnomAD v4.1: 30,937 of 1,468,978 alleles (2.1%); highest among the groups gnomAD compares: African/African-American, 4.2%; 417 homozygotes.

Submissions (25):

Labcorp Genetics (formerly Invitae), Labcorp
Classification: Benign for Catecholaminergic polymorphic ventricular tachycardia 1. Last evaluated: 2026-02-04. Review status: criteria provided, single submitter. Criteria: Invitae Variant Classification Sherloc (09022015). Collection method: clinical testing. Allele origin: germline.

ARUP Laboratories, Molecular Genetics and Genomics, ARUP Laboratories
Classification: Benign. Last evaluated: 2025-06-25. Review status: criteria provided, single submitter. Criteria: ARUP Molecular Germline Variant Investigation Process 2024. Collection method: clinical testing. Allele origin: germline.

Molecular Diagnostic Laboratory for Inherited Cardiovascular Disease, Montreal Heart Institute
Classification: Benign. Last evaluated: 2025-04-08. Review status: criteria provided, single submitter. Criteria: ACMG Guidelines, 2015. Collection method: clinical testing. Allele origin: germline. Affected: no.

Blueprint Genetics
Classification: Benign. Last evaluated: 2024-11-26. Review status: criteria provided, single submitter. Criteria: ACMG Guidelines, 2015. Collection method: clinical testing. Allele origin: germline.

All of Us Research Program, National Institutes of Health
Classification: Benign for Catecholaminergic polymorphic ventricular tachycardia. Last evaluated: 2024-02-05. Review status: criteria provided, single submitter. Criteria: ACMG Guidelines, 2015. Collection method: clinical testing. Allele origin: germline. Inheritance: Autosomal dominant inheritance. Observed: 4,722 variant alleles, 4,652 heterozygotes, 70 homozygotes.
Comment: This study involves interpretation of variants in research participants for the purpose of population health screening. Participant phenotype was not available at the time of variant classification. Additional details can be found in publication PMID: 35346344, PMCID: PMC8962531

Color Diagnostics, LLC DBA Color Health
Classification: Benign for Cardiomyopathy. Last evaluated: 2018-03-15. Review status: criteria provided, single submitter. Criteria: ACMG Guidelines, 2015. Collection method: clinical testing. Allele origin: germline.

Illumina Laboratory Services, Illumina
Classification: Benign for Catecholaminergic polymorphic ventricular tachycardia 1. Last evaluated: 2018-01-13. Review status: criteria provided, single submitter. Criteria: ICSL Variant Classification Criteria 13 December 2019. Collection method: clinical testing. Allele origin: germline.
Comment: This variant was observed in the ICSL laboratory as part of a predisposition screen in an ostensibly healthy population. It had not been previously curated by ICSL or reported in the Human Gene Mutation Database (HGMD: prior to June 1st, 2018), and was therefore a candidate for classification through an automated scoring system. Utilizing variant allele frequency, disease prevalence and penetrance estimates, and inheritance mode, an automated score was calculated to assess if this variant is too frequent to cause the disease. Based on the score and internal cut-off values, a variant classified as benign is not then subjected to further curation. The score for this variant resulted in a classification of benign for this disease.

Illumina Laboratory Services, Illumina
Classification: Benign for Catecholaminergic polymorphic ventricular tachycardia 1. Last evaluated: 2018-01-13. Review status: criteria provided, single submitter. Criteria: ICSL Variant Classification Criteria 13 December 2019. Collection method: clinical testing. Allele origin: germline.
Comment: the same text as in the submission from Illumina Laboratory Services, Illumina above.

Mayo Clinic Laboratories, Mayo Clinic
Classification: Benign. Last evaluated: 2016-02-23. Review status: criteria provided, single submitter. Criteria: ACMG Guidelines, 2015. Collection method: clinical testing. Allele origin: germline. Observed: 58 variant alleles.

Eurofins Ntd Llc (ga)
Classification: Benign. Last evaluated: 2015-07-08. Review status: criteria provided, single submitter. Criteria: EGL Classification Definitions 2015. Collection method: clinical testing. Allele origin: germline. Observed: 1 variant allele, 1 heterozygote.

Ambry Genetics
Classification: Benign for Cardiovascular phenotype. Last evaluated: 2014-12-08. Review status: criteria provided, single submitter. Criteria: Ambry Variant Classification Scheme 2023. Collection method: clinical testing. Allele origin: germline.

Laboratory for Molecular Medicine, Mass General Brigham Personalized Medicine
Classification: Benign. Last evaluated: 2011-10-21. Review status: criteria provided, single submitter. Criteria: LMM Criteria. Collection method: clinical testing. Allele origin: germline. Observed: 101 variant alleles.

GeneDx
Classification: Benign. Last evaluated: 2011-07-13. Review status: criteria provided, single submitter. Criteria: GeneDx Variant Classification (06012015). Collection method: clinical testing. Allele origin: germline. Affected: yes.
Comment: This variant is considered likely benign or benign based on one or more of the following criteria: it is a conservative change, it occurs at a poorly conserved position in the protein, it is predicted to be benign by multiple in silico algorithms, and/or has population frequency not consistent with disease.

Breakthrough Genomics
Classification: Benign. Review status: criteria provided, single submitter. Criteria: ACMG Guidelines, 2015. Collection method: not provided. Allele origin: germline. Inheritance: Autosomal dominant inheritance. Affected: yes.

PreventionGenetics, part of Exact Sciences
Classification: Benign. Review status: criteria provided, single submitter. Criteria: ACMG Guidelines, 2015. Collection method: clinical testing. Allele origin: germline.

Clinical Genetics, Academic Medical Center
Classification: Benign. Review status: no assertion criteria provided. Collection method: clinical testing. Allele origin: germline. Affected: yes. Study: VKGL Data-share Consensus. Not counted in ClinVar's aggregate classification.

Dr. Peter K. Rogan Lab, Western University
No classification provided (evidence only). Condition: Lung cancer. Review status: no classification provided. Collection method: in vitro. Allele origin: not applicable. Functional consequence: retained intron. Not counted in ClinVar's aggregate classification.

Dr. Peter K. Rogan Lab, Western University
No classification provided (evidence only). Condition: Sarcoma. Review status: no classification provided. Collection method: in vitro. Allele origin: not applicable. Functional consequence: retained intron. Not counted in ClinVar's aggregate classification.

Dr. Peter K. Rogan Lab, Western University
No classification provided (evidence only). Condition: Hepatocellular carcinoma. Review status: no classification provided. Collection method: in vitro. Allele origin: not applicable. Functional consequence: retained intron. Not counted in ClinVar's aggregate classification.

Dr. Peter K. Rogan Lab, Western University
No classification provided (evidence only). Condition: Hepatocellular carcinoma. Review status: no classification provided. Collection method: in vitro. Allele origin: not applicable. Functional consequence: retained intron. Not counted in ClinVar's aggregate classification.

Dr. Peter K. Rogan Lab, Western University
No classification provided (evidence only). Condition: Ovarian serous cystadenocarcinoma. Review status: no classification provided. Collection method: in vitro. Allele origin: not applicable. Functional consequence: retained intron. Not counted in ClinVar's aggregate classification.

Dr. Peter K. Rogan Lab, Western University
No classification provided (evidence only). Condition: Gastric cancer. Review status: no classification provided. Collection method: in vitro. Allele origin: not applicable. Functional consequence: retained intron. Not counted in ClinVar's aggregate classification.

Dr. Peter K. Rogan Lab, Western University
No classification provided (evidence only). Condition: Malignant tumor of esophagus. Review status: no classification provided. Collection method: in vitro. Allele origin: not applicable. Functional consequence: retained intron. Not counted in ClinVar's aggregate classification.

Genome Diagnostics Laboratory, University Medical Center Utrecht
Classification: Benign. Review status: no assertion criteria provided. Collection method: clinical testing. Allele origin: germline. Affected: yes. Study: VKGL Data-share Consensus. Not counted in ClinVar's aggregate classification.

Joint Genome Diagnostic Labs from Nijmegen and Maastricht, Radboudumc and MUMC+
Classification: Benign. Review status: no assertion criteria provided. Collection method: clinical testing. Allele origin: germline. Affected: yes. Study: VKGL Data-share Consensus. Not counted in ClinVar's aggregate classification.

NM_001035.3(RYR2):c.1776A>T (p.Gly592=)

Gene: RYR2 (ryanodine receptor 2; plus strand). Cytogenetic location: 1q43.
Variant type: single nucleotide variant.
Coding change: c.1776A>T on transcript NM_001035.3 (MANE Select); coding-DNA position 1776, A replaced by T.
Protein change: p.Gly592=; no amino-acid change (glycine 592 retained).
Molecular consequence: synonymous variant.
Genome position (GRCh38, 1-based): chr1:237,491,873, A>T. VCF-style: chr1-237491873-A-T. GRCh37 (hg19) VCF-style: chr1-237655173-A-T.
Other names: p.G592G:GGA>GGT; p.Gly592=.
Identifiers: ClinVar variation 43753 (VCV000043753.52), dbSNP rs72549414, ClinGen allele CA008579.
Genomic context (GRCh38, chr1:237,491,873, plus strand): 5'-GGAAGTTTTACACTGTGTTTTAGTAGAAAGTCCAGAAGCTCTAAATATTATTAAAGAAGG[A>T]CATATTAAATCTATTATCTCACTTTTAGACAAACATGGAAGAAATCACAAGGTAAATGAA-3'
Protein context (NP_001026.2, residues 582-602): SPEALNIIKE[Gly592=]HIKSIISLLD